The following is an entry in ClinVar:

NM_197968.4(ZMYM2):c.2857A>G (p.Met953Val)

Gene: ZMYM2 (zinc finger MYM-type containing 2; plus strand). Cytogenetic location: 13q12.11.
Variant type: single nucleotide variant.
Coding change: c.2857A>G on transcript NM_197968.4 (MANE Select); coding-DNA position 2857, A replaced by G.
Protein change: p.Met953Val; replaces methionine 953 with valine.
Molecular consequence: missense variant. On other transcripts: non-coding transcript variant (1).
Genome position (GRCh38, 1-based): chr13:20,061,170, A>G. VCF-style: chr13-20061170-A-G. GRCh37 (hg19) VCF-style: chr13-20635310-A-G.
Other names: c.2857A>G, p.Met953Val (NM_001190964.4, NM_001190965.4, NM_001353157.2 and 5 more transcripts); c.2662A>G, p.Met888Val (NM_001353161.3); c.2596A>G, p.Met866Val (NM_001353163.2); c.2857A>G (NM_197968.3); short protein forms M953V, M866V, M888V.
Identifiers: ClinVar variation 778692 (VCV000778692.7), dbSNP rs115802719, ClinGen allele CA6903705.

ClinVar aggregate classification (germline): Benign. Review status: criteria provided, multiple submitters, no conflicts (2 of 4 stars). 3 submissions from 3 submitters: Benign (2). 1 of the submissions does not count toward it. Last evaluated 2019-12-31.

Conditions:
ZMYM2-related disorder. Also called: ZMYM2-related condition.

Allele frequency attached by ClinVar (database versions not stated): gnomAD exomes 0.00078 and 0.00207; ExAC 0.00255; gnomAD 0.00752 and 0.00808; ESP Exome Variant Server 0.00829; 1000 Genomes Project 0.00839; TOPMed 0.00859; 1000 Genomes Project 30x 0.00906.
gnomAD v4.1: 2,351 of 1,613,826 alleles (0.15%); highest among the groups gnomAD compares: African/African-American, 2.7%; 39 homozygotes.

Submissions (3):

Labcorp Genetics (formerly Invitae), Labcorp
Classification: Benign. Last evaluated: 2019-12-31. Review status: criteria provided, single submitter. Criteria: Invitae Variant Classification Sherloc (09022015). Collection method: clinical testing. Allele origin: germline.

Breakthrough Genomics
Classification: Benign. Review status: criteria provided, single submitter. Criteria: ACMG Guidelines, 2015. Collection method: not provided. Allele origin: germline. Inheritance: Autosomal dominant inheritance. Affected: yes.

PreventionGenetics, part of Exact Sciences
Classification: Benign for ZMYM2-related condition. Last evaluated: 2019-04-05. Review status: no assertion criteria provided. Collection method: clinical testing. Allele origin: germline. Not counted in ClinVar's aggregate classification.
Comment: This variant is classified as benign based on ACMG/AMP sequence variant interpretation guidelines (Richards et al. 2015 PMID: 25741868, with internal and published modifications).